The following is an entry in ClinVar:

ClinVar aggregate classification (germline): Pathogenic/Likely pathogenic. Review status: criteria provided, multiple submitters, no conflicts (2 of 4 stars). 12 submissions from 12 submitters: Pathogenic (8); Likely pathogenic (2). 2 of the submissions do not count toward it. Last evaluated 2026-01-07.

Conditions:
Carnitine deficiency. Identifiers: MedGen C1142132.
SLC22A5-related disorder. Also called: SLC22A5-related condition.
Renal carnitine transport defect (CDSP). Also called: Systemic primary carnitine deficiency disease; Carnitine transporter deficiency; Carnitine Deficiency, Systemic; CARNITINE DEFICIENCY, SYSTEMIC, DUE TO DEFECT IN RENAL REABSORPTION OF CARNITINE; CARNITINE TRANSPORTER, PLASMA-MEMBRANE, DEFICIENCY OF; CARNITINE UPTAKE DEFECT. Identifiers: Orphanet 158, MedGen C0342788, MONDO:0008919, OMIM 212140.

Allele frequency attached by ClinVar (database versions not stated): gnomAD exomes 0.00010 and 0.00003; ExAC 0.00010; TOPMed 0.00001; gnomAD 0.00001.
gnomAD v4.1: 53 of 1,613,298 alleles (0.0033%); highest among the groups gnomAD compares: South Asian, 0.053%; no homozygotes.

Submissions (12):

Natera, Inc.
Classification: Likely pathogenic for Carnitine deficiency. Last evaluated: 2026-01-07. Review status: criteria provided, single submitter. Criteria: Natera Variant Classification Schema (03/2026). Collection method: clinical testing. Allele origin: germline.
Comment: The c.43G>T variant in SLC22A5 is a missense variant predicted to cause substitution of glycine to tryptophan at amino acid 15. This variant is rare in the general population with a frequency below the threshold expected for the associated phenotype(s). This variant has been observed in one or more individuals affected with the associated recessive disease, as either homozygous or compound heterozygous with a second variant (PMID: 20027113, 28841266, 20574985, 28711408). Functional studies show that this variant may disrupt protein function (PMID: 21922592). Computational prediction algorithms indicate this variant is likely to affect gene or protein function. Given the available evidence, this variant is classified as Likely Pathogenic.

Labcorp Genetics (formerly Invitae), Labcorp
Classification: Pathogenic for Renal carnitine transport defect. Last evaluated: 2025-12-31. Review status: criteria provided, single submitter. Criteria: Invitae Variant Classification Sherloc (09022015). Collection method: clinical testing. Allele origin: germline.
Comment: This sequence change replaces glycine, which is neutral and non-polar, with tryptophan, which is neutral and slightly polar, at codon 15 of the SLC22A5 protein (p.Gly15Trp). This variant is present in population databases (rs267607052, gnomAD 0.08%). This missense change has been observed in individual(s) with primary carnitine deficiency (PMID: 20027113, 20574985, 21922592). ClinVar contains an entry for this variant (Variation ID: 6429). Invitae Evidence Modeling of protein sequence and biophysical properties (such as structural, functional, and spatial information, amino acid conservation, physicochemical variation, residue mobility, and thermodynamic stability) indicates that this missense variant is expected to disrupt SLC22A5 protein function with a positive predictive value of 95%. Experimental studies have shown that this missense change affects SLC22A5 function (PMID: 21922592). For these reasons, this variant has been classified as Pathogenic.

Blueprint Genetics
Classification: Pathogenic for SLC22A5-related disorders. Last evaluated: 2023-12-19. Review status: criteria provided, single submitter. Criteria: ACMG Guidelines, 2015. Collection method: clinical testing. Allele origin: germline. Affected: yes. Observed: 4 variant alleles.

Neuberg Centre For Genomic Medicine, NCGM
Classification: Pathogenic for Renal carnitine transport defect. Last evaluated: 2023-07-22. Review status: criteria provided, single submitter. Criteria: ACMG Guidelines, 2015. Collection method: clinical testing. Allele origin: germline. Inheritance: Autosomal recessive inheritance. Affected: yes.
Comment: The observed missense c.43G>Tp.Gly15Trp variant in SLC22A5 gene has been reported previously in homozygous and compound heterozygous states in multiple individuals affected with primary carnitine deficiency El-Hattab et al., 2010; Li et al., 2010; Rose et al., 2012. Experimental studies have shown that this missense change affects SLC22A5 function Rose et al., 2012. The p.Gly15Trp variant is present with allele frequency of 0.01% in gnomAD Exomes. This variant has been submitted to the ClinVar database as Likely Pathogenic/ Pathogenic multiple submissions. Multiple lines of computational evidence Polyphen - Probably Damaging, SIFT - Damaging and MutationTaster - Disease causing predict a damaging effect on protein structure and function for this variant. The reference amino acid of p.Gly15Trp in SLC22A5 is predicted as conserved by GERP++ and PhyloP across 100 vertebrates. The amino acid Gly at position 15 is changed to a Trp changing protein sequence and it might alter its composition and physico-chemical properties. For these reasons, this variant has been classified as Pathogenic. In absence of another reportable variant in SLC22A5 gene, the molecular diagnosis is not confirmed.

Revvity Omics, Revvity
Classification: Pathogenic for Renal carnitine transport defect. Last evaluated: 2022-10-18. Review status: criteria provided, single submitter. Criteria: ACMG Guidelines, 2015. Collection method: clinical testing. Allele origin: germline.

Giacomini Lab, University of California, San Francisco
Classification: Pathogenic for Renal carnitine transport defect. Last evaluated: 2022-10-03. Review status: criteria provided, single submitter. Criteria: ACMG Guidelines, 2015. Collection method: research, in vitro. Allele origin: germline, not applicable.

GeneDx
Classification: Pathogenic. Last evaluated: 2022-08-18. Review status: criteria provided, single submitter. Criteria: GeneDx Variant Classification Process June 2021. Collection method: clinical testing. Allele origin: germline. Affected: yes.
Comment: In silico analysis supports that this missense variant has a deleterious effect on protein structure/function; This variant is associated with the following publications: (PMID: 21922592, 26828774, 28841266, 20027113, 20574985, 21126579, 28711408, 32778825, 36343260)

Fulgent Genetics
Classification: Likely pathogenic for Renal carnitine transport defect. Last evaluated: 2022-01-14. Review status: criteria provided, single submitter. Criteria: ACMG Guidelines, 2015. Collection method: clinical testing. Allele origin: unknown.

Genome-Nilou Lab
Classification: Pathogenic for Renal carnitine transport defect. Last evaluated: 2021-07-22. Review status: criteria provided, single submitter. Criteria: ACMG Guidelines, 2015. Collection method: clinical testing. Allele origin: germline. Affected: no.

Women's Health and Genetics/Laboratory Corporation of America, LabCorp
Classification: Pathogenic for Renal carnitine transport defect. Last evaluated: 2017-01-06. Review status: criteria provided, single submitter. Criteria: LabCorp Variant Classification Summary - May 2015. Collection method: clinical testing. Allele origin: germline.
Comment: Variant summary: The SLC22A5 c.43G>T (p.Gly15Trp) variant involves the alteration of a conserved nucleotide. 4/4 in silico tools predict a damaging outcome for this variant (SNPs&GO not captured due to low reliability index). This variant was found in 12/116676 control chromosomes at a frequency of 0.0001028, which does not exceed the estimated maximal expected allele frequency of a pathogenic SLC22A5 variant (0.0045644). This variant has been reported in many patients both as homozygotes and compound heterozygote. In addition, multiple clinical diagnostic laboratories/reputable databases classified this variant as pathogenic/likely pathogenic. Taken together, this variant is classified as pathogenic.

Counsyl
Classification: Likely pathogenic for Renal carnitine transport defect. Last evaluated: 2014-08-28. Review status: no assertion criteria provided. Collection method: literature only. Allele origin: unknown. Inheritance: Autosomal recessive inheritance. Not counted in ClinVar's aggregate classification.

OMIM
Classification: Pathogenic for CARNITINE DEFICIENCY, SYSTEMIC PRIMARY. Last evaluated: 2010-01-01. Review status: no assertion criteria provided. Collection method: literature only. Allele origin: germline. Not counted in ClinVar's aggregate classification.

Literature cited by the submitters: PubMed 20027113 (cited by 5 submitters); PubMed 28841266 (cited by Natera, Inc.); PubMed 20574985 (cited by 4 submitters); PubMed 28711408 (cited by Natera, Inc.); PubMed 21922592 (cited by 3 submitters).

NM_003060.4(SLC22A5):c.43G>T (p.Gly15Trp)

Gene: SLC22A5 (solute carrier family 22 member 5; plus strand). Cytogenetic location: 5q31.1.
Variant type: single nucleotide variant.
Coding change: c.43G>T on transcript NM_003060.4 (MANE Select); coding-DNA position 43, G replaced by T.
Protein change: p.Gly15Trp; replaces glycine 15 with tryptophan.
Molecular consequence: missense variant.
Genome position (GRCh38, 1-based): chr5:132,370,015, G>T. VCF-style: chr5-132370015-G-T. GRCh37 (hg19) VCF-style: chr5-131705707-G-T.
Other names: p.G15W:GGG>TGG; c.43G>T, p.Gly15Trp (NM_001308122.2); short protein forms G15W.
Identifiers: ClinVar variation 6429 (VCV000006429.35), dbSNP rs267607052, ClinGen allele CA312963.